The following is an entry in ClinVar:

NM_001386795.1(DTNA):c.15T>A (p.Ser5Arg)

Genes: DTNA (dystrobrevin alpha; plus strand), DTNA-AS1 (DTNA antisense RNA 1; minus strand). Cytogenetic location: 18q12.1.
Variant type: single nucleotide variant.
Coding change: c.15T>A on transcript NM_001386795.1 (MANE Select); coding-DNA position 15, T replaced by A.
Protein change: p.Ser5Arg; replaces serine 5 with arginine.
Molecular consequence: missense variant.
Genome position (GRCh38, 1-based): chr18:34,755,991, T>A. VCF-style: chr18-34755991-T-A. GRCh37 (hg19) VCF-style: chr18-32335955-T-A.
Other names: c.15T>A, p.Ser5Arg (NM_001128175.2, NM_001198938.2, NM_001198939.2 and 35 more transcripts); short protein forms S5R.
Identifiers: ClinVar variation 2046303 (VCV002046303.4), dbSNP rs964404879, ClinGen allele CA402274263.

ClinVar aggregate classification (germline): Uncertain significance (1 of 4 stars; one submission).

Conditions:
Left ventricular noncompaction 1 (LVNC1). Also called: LEFT VENTRICULAR NONCOMPACTION 1 WITH OR WITHOUT CONGENITAL HEART DEFECTS. Identifiers: Orphanet 54260, MedGen C1858725, MONDO:0011403, OMIM 604169.

Submission:

Labcorp Genetics (formerly Invitae), Labcorp
Classification: Uncertain significance for Left ventricular noncompaction 1. Last evaluated: 2022-06-15. Review status: criteria provided, single submitter. Criteria: Invitae Variant Classification Sherloc (09022015). Collection method: clinical testing. Allele origin: germline.
Comment: This variant is not present in population databases (gnomAD no frequency). This sequence change replaces serine, which is neutral and polar, with arginine, which is basic and polar, at codon 5 of the DTNA protein (p.Ser5Arg). This variant has not been reported in the literature in individuals affected with DTNA-related conditions. In summary, the available evidence is currently insufficient to determine the role of this variant in disease. Therefore, it has been classified as a Variant of Uncertain Significance. Algorithms developed to predict the effect of missense changes on protein structure and function (SIFT, PolyPhen-2, Align-GVGD) all suggest that this variant is likely to be tolerated.